The following is an entry in ClinVar:

NM_001298.3(CNGA3):c.1725C>T (p.Asp575=)

Gene: CNGA3 (cyclic nucleotide gated channel subunit alpha 3; plus strand). Cytogenetic location: 2q11.2.
Variant type: single nucleotide variant.
Coding change: c.1725C>T on transcript NM_001298.3 (MANE Select); coding-DNA position 1725, C replaced by T.
Protein change: p.Asp575=; no amino-acid change (aspartic acid 575 retained).
Molecular consequence: synonymous variant.
Genome position (GRCh38, 1-based): chr2:98,396,895, C>T. VCF-style: chr2-98396895-C-T. GRCh37 (hg19) VCF-style: chr2-99013358-C-T.
Other names: c.1725C>T (NM_001298.2); c.1671C>T, p.Asp557= (NM_001079878.2).
Identifiers: ClinVar variation 1113444 (VCV001113444.11), dbSNP rs148867596, ClinGen allele CA1794077.

ClinVar aggregate classification (germline): Likely benign. Review status: criteria provided, multiple submitters, no conflicts (2 of 4 stars). 3 submissions from 3 submitters: Likely benign (3). Last evaluated 2025-12-25.

Conditions:
CNGA3-related disorder. Also called: CNGA3-related condition.

Allele frequency attached by ClinVar (database versions not stated): ESP Exome Variant Server 0.00023.

Submissions (3):

Labcorp Genetics (formerly Invitae), Labcorp
Classification: Likely benign. Last evaluated: 2025-12-25. Review status: criteria provided, single submitter. Criteria: Invitae Variant Classification Sherloc (09022015). Collection method: clinical testing. Allele origin: germline.

PreventionGenetics, part of Exact Sciences
Classification: Likely benign for CNGA3-related condition. Last evaluated: 2024-12-19. Review status: criteria provided, single submitter. Criteria: ACMG Guidelines, 2015. Collection method: clinical testing. Allele origin: germline.
Comment: This variant is classified as likely benign based on ACMG/AMP sequence variant interpretation guidelines (Richards et al. 2015 PMID: 25741868, with internal and published modifications).

Blueprint Genetics
Classification: Likely benign. Last evaluated: 2022-09-22. Review status: criteria provided, single submitter. Criteria: ACMG Guidelines, 2015. Collection method: clinical testing. Allele origin: germline.